The following is an entry in ClinVar:

ClinVar aggregate classification (germline): Likely pathogenic (1 of 4 stars; one submission).

Conditions:
Developmental and epileptic encephalopathy, 11 (DEE11). Also called: Early infantile epileptic encephalopathy 11. Identifiers: Orphanet 1934, MedGen C3150987, MONDO:0013388, OMIM 613721.

Submission:

CGC Genetics, Unilabs
Classification: Likely pathogenic for Developmental and epileptic encephalopathy, 11. Last evaluated: 2025-04-08. Review status: criteria provided, single submitter. Criteria: ACMG Guidelines, 2015. Collection method: clinical testing. Allele origin: maternal. Inheritance: Autosomal dominant inheritance. Affected: yes. Observed: 2 variant alleles.
Comment: The NM_021007.3:c.268-2A>T p.? variant, detected in heterozygosity in intron 2 (of 27 exons) of the SCN2A gene (chr.2) has not been described in the literature or in the gnomAD population database. This variant is located in a canonical splicing acceptor site in intron 2 and is therefore expected to affect the correct splicing of exon 3. With the information currently available, it should be classified as a probably pathogenic variant.

NM_001040142.2(SCN2A):c.268-2A>T

Gene: SCN2A (sodium voltage-gated channel alpha subunit 2; plus strand). Cytogenetic location: 2q24.3.
Variant type: single nucleotide variant.
Coding change: c.268-2A>T on transcript NM_001040142.2 (MANE Select); the canonical splice acceptor site of the intron before coding-DNA position 268, A replaced by T.
Molecular consequence: splice acceptor variant.
Genome position (GRCh38, 1-based): chr2:165,297,015, A>T. VCF-style: chr2-165297015-A-T. GRCh37 (hg19) VCF-style: chr2-166153525-A-T.
Other names: c.268-2A>T (NM_001040143.2, NM_001371246.1, NM_001371247.1 and 1 more transcripts).
Identifiers: ClinVar variation 3900652 (VCV003900652.1).